The following is an entry in ClinVar:

ClinVar aggregate classification (germline): Likely pathogenic (1 of 4 stars; one submission).

Submission:

Mayo Clinic Laboratories, Mayo Clinic
Classification: Likely pathogenic. Last evaluated: 2023-09-19. Review status: criteria provided, single submitter. Criteria: ACMG Guidelines, 2015. Collection method: clinical testing. Allele origin: germline. Observed: 1 variant allele.
Comment: PM2_moderate, PVS1

NM_003126.4(SPTA1):c.1022_1037del (p.Ile341fs)

Gene: SPTA1 (spectrin alpha, erythrocytic 1; minus strand). Cytogenetic location: 1q23.1.
Variant type: Deletion.
Coding change: c.1022_1037del on transcript NM_003126.4 (MANE Select); coding-DNA positions 1022 to 1037, 16 bases deleted (TCCAGGAGATGAAAGA).
Protein change: p.Ile341fs; shifts the reading frame from isoleucine 341.
Molecular consequence: frameshift variant.
Genome position (GRCh38, 1-based): chr1:158,676,216-158,676,231, TCTTTCATCTCCTGGA deleted on the plus strand (TCCAGGAGATGAAAGA on the coding strand, the reverse complement: SPTA1 is on the minus strand); deleting any 16 consecutive bases within chr1:158,676,216-158,676,234 gives the same sequence; the c. name uses the placement nearest the transcript's 3' end. VCF-style (leftmost placement, unchanged base first): chr1-158676215-TTCTTTCATCTCCTGGA-T. GRCh37 (hg19) VCF-style: chr1-158646005-TTCTTTCATCTCCTGGA-T.
Other names: p.Ile341Lysfs*41; short protein forms I341fs.
Identifiers: ClinVar variation 3381047 (VCV003381047.1).